The following is an entry in ClinVar:

NM_006096.4(NDRG1):c.326+5G>C

Gene: NDRG1 (N-myc downstream regulated 1; minus strand). Cytogenetic location: 8q24.22.
Variant type: single nucleotide variant.
Coding change: c.326+5G>C on transcript NM_006096.4 (MANE Select); 5 bases into the intron after coding-DNA position 326, G replaced by C.
Molecular consequence: intron variant.
Genome position (GRCh38, 1-based): chr8:133,262,042, C>G on the plus strand (G>C on the coding strand, the complement: NDRG1 is on the minus strand). VCF-style: chr8-133262042-C-G. GRCh37 (hg19) VCF-style: chr8-134274285-C-G.
Other names: c.128+5G>C (NM_001258432.2, NM_001374847.1); c.83+5G>C (NM_001258433.2); c.326+5G>C (NM_001374844.1, NM_001135242.2, NM_001374845.1 and 1 more transcripts).
Identifiers: ClinVar variation 2162442 (VCV002162442.1), dbSNP rs1333361653, ClinGen allele CA847737031.

ClinVar aggregate classification (germline): Uncertain significance (1 of 4 stars; one submission).

Conditions:
Charcot-Marie-Tooth disease type 4. Also called: Charcot-Marie-Tooth disease, type IV; Charcot-Marie-Tooth, Type 4. Identifiers: Orphanet 64749, MedGen C4082197, MONDO:0018995.

Allele frequency attached by ClinVar (database versions not stated): gnomAD exomes below 0.00001; TOPMed below 0.00001.
gnomAD v4.1: 2 of 1,609,780 alleles (0.00012%); highest among the groups gnomAD compares: African/African-American, 0.0027%; no homozygotes.

Submission:

Labcorp Genetics (formerly Invitae), Labcorp
Classification: Uncertain significance for Charcot-Marie-Tooth disease type 4. Last evaluated: 2022-08-01. Review status: criteria provided, single submitter. Criteria: Invitae Variant Classification Sherloc (09022015). Collection method: clinical testing. Allele origin: germline.
Comment: This sequence change falls in intron 5 of the NDRG1 gene. It does not directly change the encoded amino acid sequence of the NDRG1 protein. It affects a nucleotide within the consensus splice site. This variant is not present in population databases (gnomAD no frequency). This variant has not been reported in the literature in individuals affected with NDRG1-related conditions. Variants that disrupt the consensus splice site are a relatively common cause of aberrant splicing (PMID: 17576681, 9536098). Algorithms developed to predict the effect of sequence changes on RNA splicing suggest that this variant may disrupt the consensus splice site. In summary, the available evidence is currently insufficient to determine the role of this variant in disease. Therefore, it has been classified as a Variant of Uncertain Significance.

Literature cited by the submitters: PubMed 17576681; PubMed 9536098.